The following is an entry in ClinVar:

NC_000002.12:g.(?_227303028)_(227305093_?)dup

Gene: COL4A3 (collagen type IV alpha 3 chain; plus strand). Cytogenetic location: 2q36.3.
Variant type: Duplication.
Identifiers: ClinVar variation 831102 (VCV000831102.2).

ClinVar aggregate classification (germline): Pathogenic (1 of 4 stars; one submission).

Submission:

Labcorp Genetics (formerly Invitae), Labcorp
Classification: Pathogenic. Last evaluated: 2022-11-01. Review status: criteria provided, single submitter. Criteria: Invitae Variant Classification Sherloc (09022015). Collection method: clinical testing. Allele origin: germline.
Comment: This variant results in a copy number gain of the genomic region encompassing exon(s) 44-47 of the COL4A3 gene. While the exact position of this variant cannot be determined from the data, sub-genic copy number gains are generally in tandem (PMID: 25640679). This variant is predicted to be out-of-frame, and may result in an absent or disrupted protein product. Loss-of-function variants in COL4A3 are known to be pathogenic (PMID: 8956999, 24854265, 26809805, 27281700). A similar copy number variant has been observed in individuals with Alport syndrome (PMID: 24854265, 32359821). For these reasons, this variant has been classified as Pathogenic.

Literature cited by the submitters: PubMed 25640679; PubMed 8956999; PubMed 24854265; PubMed 26809805; PubMed 27281700; PubMed 32359821.